The following is an entry in ClinVar:

ClinVar aggregate classification (germline): Likely benign (1 of 4 stars; one submission).

Conditions:
CARS1-related disorder. Also called: CARS1-related condition.

gnomAD v4.1: 117 of 1,614,020 alleles (0.0072%); highest among the groups gnomAD compares: East Asian, 0.24%; no homozygotes.

Submission:

PreventionGenetics, part of Exact Sciences
Classification: Likely benign for CARS1-related condition. Last evaluated: 2025-05-12. Review status: criteria provided, single submitter. Criteria: ACMG Guidelines, 2015. Collection method: clinical testing. Allele origin: germline.
Comment: This variant is classified as likely benign based on ACMG/AMP sequence variant interpretation guidelines (Richards et al. 2015 PMID: 25741868, with internal and published modifications).

NM_001014437.3(CARS1):c.1597G>C (p.Glu533Gln)

Gene: CARS1 (cysteinyl-tRNA synthetase 1; minus strand). Cytogenetic location: 11p15.4.
Variant type: single nucleotide variant.
Coding change: c.1597G>C on transcript NM_001014437.3 (MANE Select); coding-DNA position 1597, G replaced by C.
Protein change: p.Glu533Gln; replaces glutamic acid 533 with glutamine.
Molecular consequence: missense variant. On other transcripts: non-coding transcript variant (4).
Genome position (GRCh38, 1-based): chr11:3,018,440, C>G on the plus strand (G>C on the coding strand, the complement: CARS1 is on the minus strand). VCF-style: chr11-3018440-C-G. GRCh37 (hg19) VCF-style: chr11-3039670-C-G.
Other names: c.1597G>C, p.Glu533Gln (NM_001194997.2); c.1387G>C, p.Glu463Gln (NM_001378136.1); c.1318G>C, p.Glu440Gln (NM_001378137.1, NM_001378138.1, NM_001378139.1 and 1 more transcripts); c.1072G>C, p.Glu358Gln (NM_001378140.1); c.1348G>C, p.Glu450Gln (NM_001751.6, NM_139273.4); short protein forms E463Q, E358Q, E450Q, E440Q, E533Q.
Identifiers: ClinVar variation 4984022 (VCV004984022.1).
Genomic context (GRCh38, chr11:3,018,440, plus strand): 5'-AACCTCCAGGAAGGGGCTGGGGACTCACATTCAAGAACTTCTCATATTGAAGCGCTGACT[C>G]CATGGTGTTGCTGGAGTAGTCCAGGGTGTCCTTCCACGAGTGCATGAGGAAGGCCAGCCG-3'
Protein context (NP_001014437.1, residues 523-543): DTLDYSSNTM[Glu533Gln]SALQYEKFLN